The following is an entry in ClinVar:

NM_001042492.3(NF1):c.8340T>G (p.Asn2780Lys)

Gene: NF1 (neurofibromin 1; plus strand). Cytogenetic location: 17q11.2.
Variant type: single nucleotide variant.
Coding change: c.8340T>G on transcript NM_001042492.3 (MANE Select); coding-DNA position 8340, T replaced by G.
Protein change: p.Asn2780Lys; replaces asparagine 2780 with lysine.
Molecular consequence: missense variant.
Genome position (GRCh38, 1-based): chr17:31,360,666, T>G. VCF-style: chr17-31360666-T-G. GRCh37 (hg19) VCF-style: chr17-29687684-T-G.
Other names: c.8277T>G, p.Asn2759Lys (NM_000267.4); short protein forms N2759K, N2780K.
Identifiers: ClinVar variation 2737139 (VCV002737139.3), dbSNP rs2151588187, ClinGen allele CA399205024.

ClinVar aggregate classification (germline): Uncertain significance (1 of 4 stars; one submission).

Conditions:
Neurofibromatosis, type 1 (NF1). Also called: Neurofibromatosis, type I; Peripheral type neurofibromatosis; VON RECKLINGHAUSEN DISEASE; NEUROFIBROMATOSIS, TYPE I, SOMATIC. Identifiers: Orphanet 636, MedGen C0027831, MONDO:0018975, OMIM 162200. Disease mechanism: loss of function.

Submission:

Labcorp Genetics (formerly Invitae), Labcorp
Classification: Uncertain significance for Neurofibromatosis, type 1. Last evaluated: 2025-01-12. Review status: criteria provided, single submitter. Criteria: Invitae Variant Classification Sherloc (09022015). Collection method: clinical testing. Allele origin: germline.
Comment: This sequence change replaces asparagine, which is neutral and polar, with lysine, which is basic and polar, at codon 2759 of the NF1 protein (p.Asn2759Lys). This variant is not present in population databases (gnomAD no frequency). This variant has not been reported in the literature in individuals affected with NF1-related conditions. ClinVar contains an entry for this variant (Variation ID: 2737139). Invitae Evidence Modeling of protein sequence and biophysical properties (such as structural, functional, and spatial information, amino acid conservation, physicochemical variation, residue mobility, and thermodynamic stability) indicates that this missense variant is not expected to disrupt NF1 protein function with a negative predictive value of 95%. In summary, the available evidence is currently insufficient to determine the role of this variant in disease. Therefore, it has been classified as a Variant of Uncertain Significance.